The following is an entry in ClinVar:

NM_006231.4(POLE):c.-5G>A

Genes: POLE (DNA polymerase epsilon, catalytic subunit; minus strand), LOC130009266 (ATAC-STARR-seq lymphoblastoid silent region 5123; plus strand). Cytogenetic location: 12q24.33.
Variant type: single nucleotide variant.
Coding change: c.-5G>A on transcript NM_006231.4 (MANE Select); 5 bases upstream of the start codon, G replaced by A.
Molecular consequence: 5 prime UTR variant.
Genome position (GRCh38, 1-based): chr12:132,687,320, C>T on the plus strand (G>A on the coding strand, the complement: POLE is on the minus strand). VCF-style: chr12-132687320-C-T. GRCh37 (hg19) VCF-style: chr12-133263906-C-T.
Identifiers: ClinVar variation 1751000 (VCV001751000.3), dbSNP rs1593099237, ClinGen allele CA2575359569.
Genomic context (GRCh38, chr12:132,687,320, plus strand): 5'-GCCTCGCCATCCGCGCCTGGGTCCGCGCGCCGCCGCCCGCCGCTCCTCAGAGACATGGAG[C>T]CGTTGGCTACCACCTCTGCTTCAGGGGAGAAATTTGGCGCGCTCCCACCCAGACTCGCGA-3'

ClinVar aggregate classification (germline): Uncertain significance (1 of 4 stars; one submission).

Conditions:
Hereditary cancer-predisposing syndrome. Also called: Tumor predisposition; Hereditary Cancer Syndrome; Hereditary neoplastic syndrome; Neoplastic Syndromes, Hereditary. Identifiers: Orphanet 140162, MedGen C0027672, MeSH D009386, MONDO:0015356.

Submission:

Ambry Genetics
Classification: Uncertain significance for Hereditary cancer-predisposing syndrome. Last evaluated: 2026-01-09. Review status: criteria provided, single submitter. Criteria: Ambry Variant Classification Scheme 2023. Collection method: clinical testing. Allele origin: germline.
Comment: The c.-5G>A variant is located in the 5' untranslated region (5&rsquo; UTR) of the POLE gene. This variant results from a G to A substitution 5 bases upstream from the first translated codon. This nucleotide position is well conserved on limited sequence alignment. Based on the available evidence, the clinical significance of this variant remains unclear.